The following is an entry in ClinVar:

NM_000535.7(PMS2):c.2005A>T (p.Ser669Cys)

Gene: PMS2 (PMS1 homolog 2, mismatch repair system component; minus strand). Cytogenetic location: 7p22.1.
Variant type: single nucleotide variant.
Coding change: c.2005A>T on transcript NM_000535.7 (MANE Select); coding-DNA position 2005, A replaced by T.
Protein change: p.Ser669Cys; replaces serine 669 with cysteine.
Molecular consequence: missense variant. On other transcripts: non-coding transcript variant (1).
Genome position (GRCh38, 1-based): chr7:5,986,760, T>A on the plus strand (A>T on the coding strand, the complement: PMS2 is on the minus strand). VCF-style: chr7-5986760-T-A. GRCh37 (hg19) VCF-style: chr7-6026391-T-A.
Other names: c.1432A>T, p.Ser478Cys (NM_001322013.2); c.2005A>T, p.Ser669Cys (NM_001322014.2); c.1696A>T, p.Ser566Cys (NM_001322015.2); c.1600A>T, p.Ser534Cys (NM_001322003.2, NM_001322004.2, NM_001322005.2 and 1 more transcripts); c.1849A>T, p.Ser617Cys (NM_001322006.2); c.1687A>T, p.Ser563Cys (NM_001322007.2, NM_001322008.2); c.1444A>T, p.Ser482Cys (NM_001322010.2); c.1072A>T, p.Ser358Cys (NM_001322011.2, NM_001322012.2); short protein forms S669C, S617C, S563C, S566C, S358C, S478C, S482C, S534C.
Identifiers: ClinVar variation 486045 (VCV000486045.19), dbSNP rs1554297049, ClinGen allele CA366738848.

ClinVar aggregate classification (germline): Uncertain significance. Review status: criteria provided, multiple submitters, no conflicts (2 of 4 stars). 4 submissions from 4 submitters: Uncertain significance (4). Last evaluated 2026-02-19.

Conditions:
Hereditary nonpolyposis colorectal neoplasms. Identifiers: MedGen C0009405, MeSH D003123.
Hereditary cancer-predisposing syndrome. Also called: Tumor predisposition; Hereditary Cancer Syndrome; Neoplastic Syndromes, Hereditary; Hereditary neoplastic syndrome. Identifiers: Orphanet 140162, MedGen C0027672, MeSH D009386, MONDO:0015356.

Submissions (4):

Ambry Genetics
Classification: Uncertain significance for Hereditary cancer-predisposing syndrome. Last evaluated: 2026-02-19. Review status: criteria provided, single submitter. Criteria: Ambry Variant Classification Scheme 2023. Collection method: clinical testing. Allele origin: germline.
Comment: The p.S669C variant (also known as c.2005A>T), located in coding exon 11 of the PMS2 gene, results from an A to T substitution at nucleotide position 2005. The serine at codon 669 is replaced by cysteine, an amino acid with dissimilar properties. This amino acid position is highly conserved in available vertebrate species. In addition, the in silico prediction for this alteration is inconclusive. Based on the available evidence, the clinical significance of this variant remains unclear.

Blueprint Genetics
Classification: Uncertain significance. Last evaluated: 2023-08-30. Review status: criteria provided, single submitter. Criteria: ACMG Guidelines, 2015. Collection method: clinical testing. Allele origin: germline.

Color Diagnostics, LLC DBA Color Health
Classification: Uncertain significance for Hereditary cancer-predisposing syndrome. Last evaluated: 2019-08-12. Review status: criteria provided, single submitter. Criteria: ACMG Guidelines, 2015. Collection method: clinical testing. Allele origin: germline.
Comment: This missense variant replaces serine with cysteine at codon 669 of the PMS2 protein. Computational prediction tools and conservation analyses suggest that this variant may have deleterious impact on the protein function. Computational splicing tools suggest that this variant may impact RNA splicing. To our knowledge, functional assays have not been performed for this variant nor has this variant been reported in individuals affected with hereditary cancer in the literature. This variant has not been identified in the general population by the Genome Aggregation Database (gnomAD). Available evidence is insufficient to determine the role of this variant in disease conclusively. Therefore, this variant is classified as a Variant of Uncertain Significance.

Labcorp Genetics (formerly Invitae), Labcorp
Classification: Uncertain significance for Hereditary nonpolyposis colorectal neoplasms. Last evaluated: 2018-05-09. Review status: criteria provided, single submitter. Criteria: Invitae Variant Classification Sherloc (09022015). Collection method: clinical testing. Allele origin: germline.
Comment: In summary, the available evidence is currently insufficient to determine the role of this variant in disease. Therefore, it has been classified as a Variant of Uncertain Significance. Algorithms developed to predict the effect of sequence changes on RNA splicing suggest that this variant may disrupt the consensus splice site, but this prediction has not been confirmed by published transcriptional studies. Algorithms developed to predict the effect of missense changes on protein structure and function do not agree on the potential impact of this missense change (SIFT: "Deleterious"; PolyPhen-2: "Probably Damaging"; Align-GVGD: "Class C15"). This variant has not been reported in the literature in individuals with PMS2-related disease. ClinVar contains an entry for this variant (Variation ID: 486045). This variant is not present in population databases (ExAC no frequency). This sequence change replaces serine with cysteine at codon 669 of the PMS2 protein (p.Ser669Cys). The serine residue is moderately conserved and there is a moderate physicochemical difference between serine and cysteine.